The following is an entry in ClinVar:

NM_000168.6(GLI3):c.2104-6del

Gene: GLI3 (GLI family zinc finger 3; minus strand). Cytogenetic location: 7p14.1.
Variant type: Deletion.
Coding change: c.2104-6del on transcript NM_000168.6 (MANE Select); 6 bases into the intron before coding-DNA position 2104, one base deleted (C; older notation c.2104-6delC).
Molecular consequence: intron variant.
Genome position (GRCh38, 1-based): chr7:41,967,929, G deleted on the plus strand (C on the coding strand, the reverse complement: GLI3 is on the minus strand); the first of 4 consecutive G bases (chr7:41,967,929-41,967,932); deleting any one gives the same sequence. VCF-style (leftmost placement, unchanged base first): chr7-41967928-TG-T. GRCh37 (hg19) VCF-style: chr7-42007526-TG-T.
Identifiers: ClinVar variation 3055126 (VCV003055126.2), dbSNP rs768262204, ClinGen allele CA4230679.
Genomic context (GRCh38, chr7:41,967,928, plus strand): 5'-ATGGGGGACTGTTGGCTGCTGCATGAAGACTGACCACCAGGGCTTGGCTGAGATGTCTGT[TG>T]GGGTCAAGTGGAAAGGAAAGAAATGTCACCAGGGAGGGTCAAGGAAAGGGAGCCAATAAT-3'

ClinVar aggregate classification (germline): Likely benign (0 of 4 stars; one submission).

Conditions:
GLI3-related disorder. Also called: GLI3-related disorders; GLI3-related condition. Identifiers: MedGen CN239292.

Submission:

PreventionGenetics, part of Exact Sciences
Classification: Likely benign for GLI3-related condition. Last evaluated: 2021-01-05. Review status: no assertion criteria provided. Collection method: clinical testing. Allele origin: germline.
Comment: This variant is classified as likely benign based on ACMG/AMP sequence variant interpretation guidelines (Richards et al. 2015 PMID: 25741868, with internal and published modifications).